The following is an entry in ClinVar:

ClinVar aggregate classification (germline): Uncertain significance (1 of 4 stars; one submission).

Conditions:
SEMA3F-related disorder. Also called: SEMA3F-related condition.

Submission:

PreventionGenetics, part of Exact Sciences
Classification: Uncertain significance for SEMA3F-related condition. Last evaluated: 2026-02-10. Review status: criteria provided, single submitter. Criteria: ACMG Guidelines, 2015. Collection method: clinical testing. Allele origin: germline.
Comment: The SEMA3F c.996T>G variant is predicted to result in the amino acid substitution p.Ile332Met. To our knowledge, this variant has not been reported in the literature or in a large population database (gnomAD), indicating this variant is rare. At this time, the clinical significance of this variant is uncertain due to the absence of conclusive functional and genetic evidence.

NM_004186.5(SEMA3F):c.996T>G (p.Ile332Met)

Gene: SEMA3F (semaphorin 3F; plus strand). Cytogenetic location: 3p21.31.
Variant type: single nucleotide variant.
Coding change: c.996T>G on transcript NM_004186.5 (MANE Select); coding-DNA position 996, T replaced by G.
Protein change: p.Ile332Met; replaces isoleucine 332 with methionine.
Molecular consequence: missense variant.
Genome position (GRCh38, 1-based): chr3:50,182,996, T>G. VCF-style: chr3-50182996-T-G. GRCh37 (hg19) VCF-style: chr3-50220429-T-G.
Other names: c.699T>G, p.Ile233Met (NM_001318798.2); c.903T>G, p.Ile301Met (NM_001318800.2); short protein forms I332M, I233M, I301M.
Identifiers: ClinVar variation 4992779 (VCV004992779.1).